The following is an entry in ClinVar:

ClinVar aggregate classification (germline): Uncertain significance (1 of 4 stars; one submission).

Conditions:
Renal cell carcinoma. Identifiers: Orphanet 217071, MedGen C0007134, MeSH D002292, MONDO:0005086, HP:0005584.

Submission:

Labcorp Genetics (formerly Invitae), Labcorp
Classification: Uncertain significance for Renal cell carcinoma. Last evaluated: 2021-02-22. Review status: criteria provided, single submitter. Criteria: Invitae Variant Classification Sherloc (09022015). Collection method: clinical testing. Allele origin: germline.
Comment: This variant is not present in population databases (ExAC no frequency). In summary, the available evidence is currently insufficient to determine the role of this variant in disease. Therefore, it has been classified as a Variant of Uncertain Significance. Algorithms developed to predict the effect of missense changes on protein structure and function are either unavailable or do not agree on the potential impact of this missense change (SIFT: "Tolerated"; PolyPhen-2: "Probably Damaging"; Align-GVGD: "Class C0"). This variant has not been reported in the literature in individuals with MET-related conditions. This sequence change replaces serine with proline at codon 290 of the MET protein (p.Ser290Pro). The serine residue is moderately conserved and there is a moderate physicochemical difference between serine and proline.

NM_000245.4(MET):c.868T>C (p.Ser290Pro)

Gene: MET (MET proto-oncogene, receptor tyrosine kinase; plus strand). Cytogenetic location: 7q31.2.
Variant type: single nucleotide variant.
Coding change: c.868T>C on transcript NM_000245.4 (MANE Select); coding-DNA position 868, T replaced by C.
Protein change: p.Ser290Pro; replaces serine 290 with proline.
Molecular consequence: missense variant. On other transcripts: intron variant (1).
Genome position (GRCh38, 1-based): chr7:116,699,952, T>C. VCF-style: chr7-116699952-T-C. GRCh37 (hg19) VCF-style: chr7-116340006-T-C.
Other names: c.868T>C, p.Ser290Pro (NM_001127500.3, NM_001324401.3); c.-91+27375T>C (NM_001324402.2); short protein forms S290P.
Identifiers: ClinVar variation 1440479 (VCV001440479.8), dbSNP rs2116599896, ClinGen allele CA368970028.